The following is an entry in ClinVar:

ClinVar aggregate classification (germline): Uncertain significance. Review status: criteria provided, multiple submitters, no conflicts (2 of 4 stars). 2 submissions from 2 submitters: Uncertain significance (2). Last evaluated 2024-04-17.

Allele frequency attached by ClinVar (database versions not stated): ExAC 0.00002; gnomAD 0.00006 and 0.00007; TOPMed 0.00006; gnomAD exomes 0.00007 and 0.00008.
gnomAD v4.1: 132 of 1,613,878 alleles (0.0082%); highest among the groups gnomAD compares: Admixed American, 0.025%; no homozygotes.

Submissions (2):

Blueprint Genetics
Classification: Uncertain significance. Last evaluated: 2024-04-17. Review status: criteria provided, single submitter. Criteria: ACMG Guidelines, 2015. Collection method: clinical testing. Allele origin: germline.

Labcorp Genetics (formerly Invitae), Labcorp
Classification: Uncertain significance. Last evaluated: 2021-08-31. Review status: criteria provided, single submitter. Criteria: Invitae Variant Classification Sherloc (09022015). Collection method: clinical testing. Allele origin: germline.
Comment: This sequence change replaces valine with methionine at codon 513 of the ZNF341 protein (p.Val513Met). The valine residue is moderately conserved and there is a small physicochemical difference between valine and methionine. This variant is present in population databases (rs747161975, ExAC 0.005%). This variant has not been reported in the literature in individuals affected with ZNF341-related conditions. Algorithms developed to predict the effect of missense changes on protein structure and function are either unavailable or do not agree on the potential impact of this missense change (SIFT: "Tolerated"; PolyPhen-2: "Possibly Damaging"; Align-GVGD: "Class C0"). In summary, the available evidence is currently insufficient to determine the role of this variant in disease. Therefore, it has been classified as a Variant of Uncertain Significance.

NM_001282933.2(ZNF341):c.1558G>A (p.Val520Met)

Gene: ZNF341 (zinc finger protein 341; plus strand). Cytogenetic location: 20q11.22.
Variant type: single nucleotide variant.
Coding change: c.1558G>A on transcript NM_001282933.2 (MANE Select); coding-DNA position 1558, G replaced by A.
Protein change: p.Val520Met; replaces valine 520 with methionine.
Molecular consequence: missense variant. On other transcripts: non-coding transcript variant (1).
Genome position (GRCh38, 1-based): chr20:33,770,228, G>A. VCF-style: chr20-33770228-G-A. GRCh37 (hg19) VCF-style: chr20-32358034-G-A.
Other names: c.1288G>A, p.Val430Met (NM_001282935.2); c.1537G>A, p.Val513Met (NM_032819.5); short protein forms V430M, V520M, V513M.
Identifiers: ClinVar variation 1436552 (VCV001436552.6), dbSNP rs747161975, ClinGen allele CA9819476.